The following is an entry in ClinVar:

NM_000051.4(ATM):c.6353A>C (p.Glu2118Ala)

Genes: ATM (ATM serine/threonine kinase; plus strand), C11orf65 (chromosome 11 open reading frame 65; minus strand). Cytogenetic location: 11q22.3.
Variant type: single nucleotide variant.
Coding change: c.6353A>C on transcript NM_000051.4 (MANE Select); coding-DNA position 6353, A replaced by C.
Protein change: p.Glu2118Ala; replaces glutamic acid 2118 with alanine.
Molecular consequence: missense variant. On other transcripts: intron variant (2).
Genome position (GRCh38, 1-based): chr11:108,319,959, A>C. VCF-style: chr11-108319959-A-C. GRCh37 (hg19) VCF-style: chr11-108190686-A-C.
Other names: c.6353A>C, p.Glu2118Ala (NM_001351834.2); c.641-10888T>G (NM_001330368.2); c.*39-10888T>G (NM_001351110.2); short protein forms E2118A.
Identifiers: ClinVar variation 3643761 (VCV003643761.3).

ClinVar aggregate classification (germline): Uncertain significance. Review status: criteria provided, multiple submitters, no conflicts (2 of 4 stars). 2 submissions from 2 submitters: Uncertain significance (2). Last evaluated 2025-04-11.

Conditions:
Ataxia-telangiectasia syndrome (AT). Also called: Ataxia-telangiectasia, complementation group D; AT, COMPLEMENTATION GROUP C; ATAXIA-TELANGIECTASIA, COMPLEMENTATION GROUP A; ATAXIA-TELANGIECTASIA, FRESNO VARIANT; Ataxia-telangiectasia; Ataxia-telangiectasia, complementation group E. Identifiers: Orphanet 100, MedGen C0004135, MONDO:0008840, OMIM 208900.
Hereditary cancer-predisposing syndrome. Also called: Neoplastic Syndromes, Hereditary; Tumor predisposition; Hereditary Cancer Syndrome; Hereditary neoplastic syndrome. Identifiers: Orphanet 140162, MedGen C0027672, MeSH D009386, MONDO:0015356.

Submissions (2):

Ambry Genetics
Classification: Uncertain significance for Hereditary cancer-predisposing syndrome. Last evaluated: 2025-04-11. Review status: criteria provided, single submitter. Criteria: Ambry Variant Classification Scheme 2023. Collection method: clinical testing. Allele origin: germline.
Comment: The p.E2118A variant (also known as c.6353A>C), located in coding exon 43 of the ATM gene, results from an A to C substitution at nucleotide position 6353. The glutamic acid at codon 2118 is replaced by alanine, an amino acid with dissimilar properties. This amino acid position is conserved. In addition, this alteration is predicted to be tolerated by in silico analysis. Based on the available evidence, the clinical significance of this variant remains unclear.

Labcorp Genetics (formerly Invitae), Labcorp
Classification: Uncertain significance for Ataxia-telangiectasia syndrome. Last evaluated: 2024-03-16. Review status: criteria provided, single submitter. Criteria: Invitae Variant Classification Sherloc (09022015). Collection method: clinical testing. Allele origin: germline.
Comment: This sequence change replaces glutamic acid, which is acidic and polar, with alanine, which is neutral and non-polar, at codon 2118 of the ATM protein (p.Glu2118Ala). This variant is not present in population databases (gnomAD no frequency). This variant has not been reported in the literature in individuals affected with ATM-related conditions. An algorithm developed to predict the effect of missense changes on protein structure and function (PolyPhen-2) suggests that this variant is likely to be tolerated. In summary, the available evidence is currently insufficient to determine the role of this variant in disease. Therefore, it has been classified as a Variant of Uncertain Significance.